The following is an entry in ClinVar:

ClinVar aggregate classification (germline): Conflicting classifications of pathogenicity. Review status: criteria provided, conflicting classifications (1 of 4 stars). 5 submissions from 5 submitters: Uncertain significance (1); Likely benign (3). 1 of the submissions does not count toward it. Last evaluated 2026-01-02.

Conditions:
MYO1E-related disorder. Also called: MYO1E-related condition.

Allele frequency attached by ClinVar (database versions not stated): 1000 Genomes Project 0.00040; 1000 Genomes Project 30x 0.00062; ExAC 0.00128; gnomAD exomes 0.00132; ESP Exome Variant Server 0.00154.
gnomAD v4.1: 3,401 of 1,613,652 alleles (0.21%); highest among the groups gnomAD compares: Non-Finnish European, 0.27%; 3 homozygotes.

Submissions (5):

Labcorp Genetics (formerly Invitae), Labcorp
Classification: Likely benign. Last evaluated: 2026-01-02. Review status: criteria provided, single submitter. Criteria: Invitae Variant Classification Sherloc (09022015). Collection method: clinical testing. Allele origin: germline.

CeGaT Center for Human Genetics Tuebingen
Classification: Likely benign. Last evaluated: 2025-05-01. Review status: criteria provided, single submitter. Criteria: CeGaT Center For Human Genetics Tuebingen Variant Classification Criteria Version 2. Collection method: clinical testing. Allele origin: germline. Affected: yes. Observed: 2 variant alleles.
Comment: MYO1E: BS2

Mayo Clinic Laboratories, Mayo Clinic
Classification: Uncertain significance. Last evaluated: 2025-04-22. Review status: criteria provided, single submitter. Criteria: ACMG Guidelines, 2015. Collection method: clinical testing. Allele origin: germline. Observed: 1 variant allele.
Comment: BS1

Breakthrough Genomics
Classification: Likely benign. Review status: criteria provided, single submitter. Criteria: ACMG Guidelines, 2015. Collection method: not provided. Allele origin: germline. Inheritance: Autosomal recessive inheritance. Affected: yes.

PreventionGenetics, part of Exact Sciences
Classification: Likely benign for MYO1E-related condition. Last evaluated: 2022-04-05. Review status: no assertion criteria provided. Collection method: clinical testing. Allele origin: germline. Not counted in ClinVar's aggregate classification.
Comment: This variant is classified as likely benign based on ACMG/AMP sequence variant interpretation guidelines (Richards et al. 2015 PMID: 25741868, with internal and published modifications).

Literature cited by the submitters: PubMed 37372416 (cited by Mayo Clinic Laboratories, Mayo Clinic).

NM_004998.4(MYO1E):c.1135C>G (p.His379Asp)

Gene: MYO1E (myosin IE; minus strand). Cytogenetic location: 15q22.2.
Variant type: single nucleotide variant.
Coding change: c.1135C>G on transcript NM_004998.4 (MANE Select); coding-DNA position 1135, C replaced by G.
Protein change: p.His379Asp; replaces histidine 379 with aspartic acid.
Molecular consequence: missense variant.
Genome position (GRCh38, 1-based): chr15:59,214,693, G>C on the plus strand (C>G on the coding strand, the complement: MYO1E is on the minus strand). VCF-style: chr15-59214693-G-C. GRCh37 (hg19) VCF-style: chr15-59506892-G-C.
Other names: p.His379Asp; c.1135C>G (NM_004998.3); short protein forms H379D.
Identifiers: ClinVar variation 1120668 (VCV001120668.41), dbSNP rs150983259, ClinGen allele CA7590052.